The following is an entry in ClinVar:

ClinVar aggregate classification (germline): Uncertain significance (1 of 4 stars; one submission).

Conditions:
Walker-Warburg congenital muscular dystrophy. Also called: Muscular dystrophy-dystroglycanopathy, type A; Walker-Warburg syndrome. Identifiers: Orphanet 899, MedGen C0265221, MONDO:0000171.
Autosomal recessive limb-girdle muscular dystrophy type 2K. Also called: MUSCULAR DYSTROPHY-DYSTROGLYCANOPATHY (LIMB-GIRDLE), TYPE C, 1; MUSCULAR DYSTROPHY, LIMB-GIRDLE, TYPE 2K. Identifiers: Orphanet 86812, MedGen C1836373, MONDO:0012248, OMIM 609308.
Muscular dystrophy-dystroglycanopathy (congenital with impaired intellectual development), type B, 1. Also called: Muscular dystrophy-dystroglycanopathy (congenital with intellectual disability), type B1; MUSCULAR DYSTROPHY, CONGENITAL, POMT1-RELATED. Identifiers: MedGen C5436962, MONDO:0013159, OMIM 613155.

Allele frequency attached by ClinVar (database versions not stated): gnomAD exomes below 0.00001; ExAC 0.00001.
gnomAD v4.1: 1 of 1,613,918 alleles (0.000062%); highest among the groups gnomAD compares: South Asian, 0.0011%; no homozygotes.

Submission:

Labcorp Genetics (formerly Invitae), Labcorp
Classification: Uncertain significance for Muscular dystrophy-dystroglycanopathy (congenital with impaired intellectual development), type B, 1; Walker-Warburg congenital muscular dystrophy; Autosomal recessive limb-girdle muscular dystrophy type 2K. Last evaluated: 2021-06-28. Review status: criteria provided, single submitter. Criteria: Invitae Variant Classification Sherloc (09022015). Collection method: clinical testing. Allele origin: germline.
Comment: In summary, the available evidence is currently insufficient to determine the role of this variant in disease. Therefore, it has been classified as a Variant of Uncertain Significance. Algorithms developed to predict the effect of missense changes on protein structure and function are either unavailable or do not agree on the potential impact of this missense change (SIFT: "Deleterious"; PolyPhen-2: "Benign"; Align-GVGD: "Class C0"). This variant has not been reported in the literature in individuals with POMT1-related conditions. This variant is present in population databases (rs775109154, ExAC 0.006%). This sequence change replaces glutamine with arginine at codon 682 of the POMT1 protein (p.Gln682Arg). The glutamine residue is moderately conserved and there is a small physicochemical difference between glutamine and arginine.

NM_001077365.2(POMT1):c.1979A>G (p.Gln660Arg)

Gene: POMT1 (protein O-mannosyltransferase 1; plus strand). Cytogenetic location: 9q34.13.
Variant type: single nucleotide variant.
Coding change: c.1979A>G on transcript NM_001077365.2 (MANE Select); coding-DNA position 1979, A replaced by G.
Protein change: p.Gln660Arg; replaces glutamine 660 with arginine.
Molecular consequence: missense variant. On other transcripts: non-coding transcript variant (10).
Genome position (GRCh38, 1-based): chr9:131,522,200, A>G. VCF-style: chr9-131522200-A-G. GRCh37 (hg19) VCF-style: chr9-134397587-A-G.
Other names: c.1817A>G, p.Gln606Arg (NM_001077366.2, NM_001353194.2); c.1979A>G, p.Gln660Arg (NM_001136113.2); c.1628A>G, p.Gln543Arg (NM_001136114.2, NM_001353195.2, NM_001374691.1 and 2 more transcripts); c.2045A>G, p.Gln682Arg (NM_001353193.2, NM_007171.4); c.1889A>G, p.Gln630Arg (NM_001353196.2); c.1883A>G, p.Gln628Arg (NM_001353197.2, NM_001353198.2); c.1694A>G, p.Gln565Arg (NM_001353199.2); c.1523A>G, p.Gln508Arg (NM_001353200.2); and 3 more; short protein forms Q508R, Q530R, Q543R, Q606R, Q630R, Q682R, Q628R, Q656R.
Identifiers: ClinVar variation 1509429 (VCV001509429.8), dbSNP rs775109154, ClinGen allele CA5293885.
Genomic context (GRCh38, chr9:131,522,200, plus strand): 5'-TCCTCTACCACTACCTGCCCGCACTCACCTTCCAAATCCTTCTGCTCCCTGTGGTCCTGC[A>G]GCACATCAGCGACCACCTGTGCAGGTACGGGGGCTGCGGAGACAGTGGCTGGACCGGGCA-3'
Protein context (NP_001070833.1, residues 650-670): FQILLLPVVL[Gln660Arg]HISDHLCRSQ